The following is an entry in ClinVar:

NM_000368.5(TSC1):c.364-1G>A

Gene: TSC1 (TSC complex subunit 1; minus strand). Cytogenetic location: 9q34.13.
Variant type: single nucleotide variant.
Coding change: c.364-1G>A on transcript NM_000368.5 (MANE Select); the canonical splice acceptor site of the intron before coding-DNA position 364, G replaced by A.
Molecular consequence: splice acceptor variant.
Genome position (GRCh38, 1-based): chr9:132,923,493, C>T on the plus strand (G>A on the coding strand, the complement: TSC1 is on the minus strand). VCF-style: chr9-132923493-C-T. GRCh37 (hg19) VCF-style: chr9-135798880-C-T.
Other names: c.1-1G>A (NM_001406620.1, NM_001406618.1, NM_001406625.1 and 10 more transcripts); c.211-1G>A (NM_001406613.1, NM_001406612.1, NM_001406610.1 and 2 more transcripts); c.-514-1G>A (NM_001406627.1, NM_001406628.1, NM_001406626.1); c.-656-1G>A (NM_001406629.1); c.364-1G>A (NM_001406603.1, NM_001406609.1, NM_001406597.1 and 16 more transcripts); c.-730-1G>A (NM_001406630.1).
Identifiers: ClinVar variation 2824479 (VCV002824479.3), dbSNP rs118203376, ClinGen allele CA375373786.
Genomic context (GRCh38, chr9:132,923,493, plus strand): 5'-TGGTAGCATGGTTATCAACACCAAGACGCCTGTTGTGAGGACAACGACGTCAGTGTCCAT[C>T]TGCAGGAGAAAAGGTCAAACAGGAAACGTCTGTCAGGCACTGGCACCAGGATCGGCATTG-3'

ClinVar aggregate classification (germline): Pathogenic (1 of 4 stars; one submission).

Conditions:
Tuberous sclerosis 1 (TSC1). Identifiers: Orphanet 805, MedGen C1854465, MONDO:0008612, OMIM 191100.

Submission:

Labcorp Genetics (formerly Invitae), Labcorp
Classification: Pathogenic for Tuberous sclerosis 1. Last evaluated: 2022-12-27. Review status: criteria provided, single submitter. Criteria: Invitae Variant Classification Sherloc (09022015). Collection method: clinical testing. Allele origin: germline.
Comment: For these reasons, this variant has been classified as Pathogenic. Algorithms developed to predict the effect of sequence changes on RNA splicing suggest that this variant may disrupt the consensus splice site. Disruption of this splice site has been observed in individuals with clinical features of tuberous sclerosis complex (PMID: 9863590; Invitae). This variant is not present in population databases (gnomAD no frequency). This sequence change affects an acceptor splice site in intron 5 of the TSC1 gene. It is expected to disrupt RNA splicing. Variants that disrupt the donor or acceptor splice site typically lead to a loss of protein function (PMID: 16199547), and loss-of-function variants in TSC1 are known to be pathogenic (PMID: 10227394, 17304050).

Literature cited by the submitters: PubMed 9863590; PubMed 16199547; PubMed 10227394; PubMed 17304050.